The following is an entry in ClinVar:

NM_001261826.3(AP3D1):c.2858C>T (p.Ser953Phe)

Gene: AP3D1 (adaptor related protein complex 3 subunit delta 1; minus strand). Cytogenetic location: 19p13.3.
Variant type: single nucleotide variant.
Coding change: c.2858C>T on transcript NM_001261826.3 (MANE Select); coding-DNA position 2858, C replaced by T.
Protein change: p.Ser953Phe; replaces serine 953 with phenylalanine.
Molecular consequence: missense variant.
Genome position (GRCh38, 1-based): chr19:2,111,758, G>A on the plus strand (C>T on the coding strand, the complement: AP3D1 is on the minus strand). VCF-style: chr19-2111758-G-A. GRCh37 (hg19) VCF-style: chr19-2111757-G-A.
Other names: c.2822C>T, p.Ser941Phe (NM_001374799.1); c.2672C>T, p.Ser891Phe (NM_003938.8); short protein forms S941F, S891F, S953F.
Identifiers: ClinVar variation 1428387 (VCV001428387.6), dbSNP rs776237140, ClinGen allele CA9058692.
Genomic context (GRCh38, chr19:2,111,758, plus strand): 5'-GGCGCGCCATTCTGCACCGGCTCCCCCGCTGCCTCCTCGCTGCCTGGAGGCTGCTTCTTG[G>A]ACTTCTTCTTGCCTTTGGTCCGCTCCTCCTTCTCCTTCCTGTGCTTCTTCTTCTTAGGCT-3'
Protein context (NP_001248755.1, residues 943-963): KEERTKGKKK[Ser953Phe]KKQPPGSEEA

ClinVar aggregate classification (germline): Uncertain significance (1 of 4 stars; one submission).

Allele frequency attached by ClinVar (database versions not stated): gnomAD 0.00001; gnomAD exomes 0.00001 and 0.00003; ExAC 0.00005.
gnomAD v4.1: 9 of 1,611,586 alleles (0.00056%); highest among the groups gnomAD compares: South Asian, 0.0099%; no homozygotes.

Submission:

Labcorp Genetics (formerly Invitae), Labcorp
Classification: Uncertain significance. Last evaluated: 2022-08-15. Review status: criteria provided, single submitter. Criteria: Invitae Variant Classification Sherloc (09022015). Collection method: clinical testing. Allele origin: germline.
Comment: This variant has not been reported in the literature in individuals affected with AP3D1-related conditions. In summary, the available evidence is currently insufficient to determine the role of this variant in disease. Therefore, it has been classified as a Variant of Uncertain Significance. Algorithms developed to predict the effect of missense changes on protein structure and function (SIFT, PolyPhen-2, Align-GVGD) all suggest that this variant is likely to be tolerated. ClinVar contains an entry for this variant (Variation ID: 1428387). This variant is present in population databases (rs776237140, gnomAD 0.03%). This sequence change replaces serine, which is neutral and polar, with phenylalanine, which is neutral and non-polar, at codon 953 of the AP3D1 protein (p.Ser953Phe).